The following is an entry in ClinVar:

NM_002354.3(EPCAM):c.20T>A (p.Leu7His)

Gene: EPCAM (epithelial cell adhesion molecule; plus strand). Cytogenetic location: 2p21.
Variant type: single nucleotide variant.
Coding change: c.20T>A on transcript NM_002354.3 (MANE Select); coding-DNA position 20, T replaced by A.
Protein change: p.Leu7His; replaces leucine 7 with histidine.
Molecular consequence: missense variant.
Genome position (GRCh38, 1-based): chr2:47,369,525, T>A. VCF-style: chr2-47369525-T-A. GRCh37 (hg19) VCF-style: chr2-47596664-T-A.
Other names: short protein forms L7H.
Identifiers: ClinVar variation 239125 (VCV000239125.12), dbSNP rs878854486, ClinGen allele CA10581971.

ClinVar aggregate classification (germline): Uncertain significance. Review status: criteria provided, multiple submitters, no conflicts (2 of 4 stars). 2 submissions from 2 submitters: Uncertain significance (2). Last evaluated 2025-01-17.

Conditions:
Hereditary cancer-predisposing syndrome. Also called: Neoplastic Syndromes, Hereditary; Hereditary neoplastic syndrome; Tumor predisposition; Hereditary Cancer Syndrome. Identifiers: Orphanet 140162, MedGen C0027672, MeSH D009386, MONDO:0015356.

Allele frequency attached by ClinVar (database versions not stated): gnomAD 0.00001 and 0.00002; gnomAD exomes 0.00001 and 0.00004; TOPMed 0.00003.
gnomAD v4.1: 59 of 1,572,156 alleles (0.0038%); highest among the groups gnomAD compares: Non-Finnish European, 0.005%; no homozygotes.

Submissions (2):

Ambry Genetics
Classification: Uncertain significance for Hereditary cancer-predisposing syndrome. Last evaluated: 2025-01-17. Review status: criteria provided, single submitter. Criteria: Ambry Variant Classification Scheme 2023. Collection method: clinical testing. Allele origin: germline.

Labcorp Genetics (formerly Invitae), Labcorp
Classification: Uncertain significance. Last evaluated: 2020-04-16. Review status: criteria provided, single submitter. Criteria: Invitae Variant Classification Sherloc (09022015). Collection method: clinical testing. Allele origin: germline.
Comment: This sequence change replaces leucine with histidine at codon 7 of the EPCAM protein (p.Leu7His). The leucine residue is moderately conserved and there is a moderate physicochemical difference between leucine and histidine. The frequency data for this variant in the population databases is considered unreliable, as metrics indicate insufficient coverage at this position in the ExAC database. This variant has not been reported in the literature in individuals with EPCAM-related conditions. ClinVar contains an entry for this variant (Variation ID: 239125). Algorithms developed to predict the effect of missense changes on protein structure and function are either unavailable or do not agree on the potential impact of this missense change (SIFT: "Deleterious"; PolyPhen-2: "Possibly Damaging"; Align-GVGD: "Class C0"). In summary, the available evidence is currently insufficient to determine the role of this variant in disease. Therefore, it has been classified as a Variant of Uncertain Significance.